The following is an entry in ClinVar:

NM_014484.5(MOCS3):c.392C>T (p.Ala131Val)

Gene: MOCS3 (molybdenum cofactor synthesis 3; plus strand). Cytogenetic location: 20q13.13.
Variant type: single nucleotide variant.
Coding change: c.392C>T on transcript NM_014484.5 (MANE Select); coding-DNA position 392, C replaced by T.
Protein change: p.Ala131Val; replaces alanine 131 with valine.
Molecular consequence: missense variant.
Genome position (GRCh38, 1-based): chr20:50,959,234, C>T. VCF-style: chr20-50959234-C-T. GRCh37 (hg19) VCF-style: chr20-49575771-C-T.
Other names: short protein forms A131V.
Identifiers: ClinVar variation 2820858 (VCV002820858.3), dbSNP rs2515743541, ClinGen allele CA408982932.

ClinVar aggregate classification (germline): Uncertain significance (1 of 4 stars; one submission).

Submission:

Labcorp Genetics (formerly Invitae), Labcorp
Classification: Uncertain significance. Last evaluated: 2022-12-22. Review status: criteria provided, single submitter. Criteria: Invitae Variant Classification Sherloc (09022015). Collection method: clinical testing. Allele origin: germline.
Comment: This sequence change replaces alanine, which is neutral and non-polar, with valine, which is neutral and non-polar, at codon 131 of the MOCS3 protein (p.Ala131Val). This variant is not present in population databases (gnomAD no frequency). This variant has not been reported in the literature in individuals affected with MOCS3-related conditions. Algorithms developed to predict the effect of missense changes on protein structure and function (SIFT, PolyPhen-2, Align-GVGD) all suggest that this variant is likely to be tolerated. In summary, the available evidence is currently insufficient to determine the role of this variant in disease. Therefore, it has been classified as a Variant of Uncertain Significance.